The following is an entry in ClinVar:

ClinVar aggregate classification (germline): Uncertain significance (1 of 4 stars; one submission).

Conditions:
Sandhoff disease. Also called: Beta-hexosaminidase-beta-subunit deficiency; GM2 gangliosidosis, type 2; Total hexosaminidase deficiency; Sandhoff-Jatzkewitz-Pilz disease; GM2-GANGLIOSIDOSIS, TYPE II; HEXOSAMINIDASES A AND B DEFICIENCY. Identifiers: Orphanet 796, MedGen C0036161, MONDO:0010006, OMIM 268800.

Submission:

Labcorp Genetics (formerly Invitae), Labcorp
Classification: Uncertain significance for Sandhoff disease. Last evaluated: 2023-04-24. Review status: criteria provided, single submitter. Criteria: Invitae Variant Classification Sherloc (09022015). Collection method: clinical testing. Allele origin: germline.
Comment: In summary, the available evidence is currently insufficient to determine the role of this variant in disease. Therefore, it has been classified as a Variant of Uncertain Significance. Advanced modeling of protein sequence and biophysical properties (such as structural, functional, and spatial information, amino acid conservation, physicochemical variation, residue mobility, and thermodynamic stability) performed at Invitae indicates that this missense variant is expected to disrupt HEXB protein function. ClinVar contains an entry for this variant (Variation ID: 527970). This variant has not been reported in the literature in individuals affected with HEXB-related conditions. This variant is not present in population databases (gnomAD no frequency). This sequence change replaces glycine, which is neutral and non-polar, with alanine, which is neutral and non-polar, at codon 167 of the HEXB protein (p.Gly167Ala).

NM_000521.4(HEXB):c.500G>C (p.Gly167Ala)

Gene: HEXB (hexosaminidase subunit beta; plus strand). Cytogenetic location: 5q13.3.
Variant type: single nucleotide variant.
Coding change: c.500G>C on transcript NM_000521.4 (MANE Select); coding-DNA position 500, G replaced by C.
Protein change: p.Gly167Ala; replaces glycine 167 with alanine.
Molecular consequence: missense variant. On other transcripts: 5 prime UTR variant (1).
Genome position (GRCh38, 1-based): chr5:74,693,693, G>C. VCF-style: chr5-74693693-G-C. GRCh37 (hg19) VCF-style: chr5-73989518-G-C.
Other names: c.-176G>C (NM_001292004.2); short protein forms G167A.
Identifiers: ClinVar variation 527970 (VCV000527970.8), dbSNP rs951616685, ClinGen allele CA120902057.